The following is an entry in ClinVar:

ClinVar aggregate classification (germline): Uncertain significance (1 of 4 stars; one submission).

Conditions:
Charcot-Marie-Tooth disease type 2E (CMT2E). Also called: CHARCOT-MARIE-TOOTH NEUROPATHY, TYPE 2E; CHARCOT-MARIE-TOOTH DISEASE, AXONAL, TYPE 2E. Identifiers: Orphanet 99939, MedGen C1843225, MONDO:0011894, OMIM 607684.

Submission:

Labcorp Genetics (formerly Invitae), Labcorp
Classification: Uncertain significance for Charcot-Marie-Tooth disease type 2E. Last evaluated: 2023-07-21. Review status: criteria provided, single submitter. Criteria: Invitae Variant Classification Sherloc (09022015). Collection method: clinical testing. Allele origin: germline.
Comment: This sequence change replaces methionine, which is neutral and non-polar, with valine, which is neutral and non-polar, at codon 325 of the NEFL protein (p.Met325Val). This variant is not present in population databases (gnomAD no frequency). This variant has not been reported in the literature in individuals affected with NEFL-related conditions. ClinVar contains an entry for this variant (Variation ID: 1418237). Advanced modeling of protein sequence and biophysical properties (such as structural, functional, and spatial information, amino acid conservation, physicochemical variation, residue mobility, and thermodynamic stability) performed at Invitae indicates that this missense variant is not expected to disrupt NEFL protein function. In summary, the available evidence is currently insufficient to determine the role of this variant in disease. Therefore, it has been classified as a Variant of Uncertain Significance.

NM_006158.5(NEFL):c.973A>G (p.Met325Val)

Gene: NEFL (neurofilament light chain; minus strand). Cytogenetic location: 8p21.2.
Variant type: single nucleotide variant.
Coding change: c.973A>G on transcript NM_006158.5 (MANE Select); coding-DNA position 973, A replaced by G.
Protein change: p.Met325Val; replaces methionine 325 with valine.
Molecular consequence: missense variant.
Genome position (GRCh38, 1-based): chr8:24,955,543, T>C on the plus strand (A>G on the coding strand, the complement: NEFL is on the minus strand). VCF-style: chr8-24955543-T-C. GRCh37 (hg19) VCF-style: chr8-24813057-T-C.
Other names: short protein forms M325V.
Identifiers: ClinVar variation 1418237 (VCV001418237.6), dbSNP rs2117254246, ClinGen allele CA370621222.